The following is an entry in ClinVar:

NM_080680.3(COL11A2):c.2376+6G>A

Gene: COL11A2 (collagen type XI alpha 2 chain; minus strand). Cytogenetic location: 6p21.32.
Variant type: single nucleotide variant.
Coding change: c.2376+6G>A on transcript NM_080680.3 (MANE Select); 6 bases into the intron after coding-DNA position 2376, G replaced by A.
Molecular consequence: intron variant.
Genome position (GRCh38, 1-based): chr6:33,175,568, C>T on the plus strand (G>A on the coding strand, the complement: COL11A2 is on the minus strand). VCF-style: chr6-33175568-C-T. GRCh37 (hg19) VCF-style: chr6-33143345-C-T.
Other names: c.2055+6G>A (NM_080679.3); c.2118+6G>A (NM_080681.3).
Identifiers: ClinVar variation 1908645 (VCV001908645.5), dbSNP rs1435676179, ClinGen allele CA566429354.
Genomic context (GRCh38, chr6:33,175,568, plus strand): 5'-ATGCCCATCCTGACCCCAGTGCCCACACCCCCAGAGGACCCAGGCACAGAACCCTCATCC[C>T]ATCACCTTCTCGCCCATGAGCCCTGGGGGCCCAGGGTCTCCAGTCGGTCCAGTGCGTCCC-3'

ClinVar aggregate classification (germline): Uncertain significance (1 of 4 stars; one submission).

Allele frequency attached by ClinVar (database versions not stated): gnomAD 0.00001.
gnomAD v4.1: 2 of 1,611,958 alleles (0.00012%); highest among the groups gnomAD compares: African/African-American, 0.0027%; no homozygotes.

Submission:

Labcorp Genetics (formerly Invitae), Labcorp
Classification: Uncertain significance. Last evaluated: 2021-12-12. Review status: criteria provided, single submitter. Criteria: Invitae Variant Classification Sherloc (09022015). Collection method: clinical testing. Allele origin: germline.
Comment: This sequence change falls in intron 30 of the COL11A2 gene. It does not directly change the encoded amino acid sequence of the COL11A2 protein. It affects a nucleotide within the consensus splice site. This variant is present in population databases (no rsID available, gnomAD 0.01%). This variant has not been reported in the literature in individuals affected with COL11A2-related conditions. Variants that disrupt the consensus splice site are a relatively common cause of aberrant splicing (PMID: 17576681, 9536098). Algorithms developed to predict the effect of sequence changes on RNA splicing suggest that this variant may disrupt the consensus splice site. In summary, the available evidence is currently insufficient to determine the role of this variant in disease. Therefore, it has been classified as a Variant of Uncertain Significance.

Literature cited by the submitters: PubMed 17576681; PubMed 9536098.